The following is an entry in ClinVar:

ClinVar aggregate classification (germline): Uncertain significance (1 of 4 stars; one submission).

Conditions:
Alstrom syndrome (ALMS). Identifiers: Orphanet 64, MedGen C0268425, MONDO:0008763, OMIM 203800.

Allele frequency attached by ClinVar (database versions not stated): gnomAD exomes below 0.00001; TOPMed below 0.00001; gnomAD 0.00001.
gnomAD v4.1: 2 of 1,613,976 alleles (0.00012%); highest among the groups gnomAD compares: Middle Eastern, 0.033%; no homozygotes.

Submission:

Labcorp Genetics (formerly Invitae), Labcorp
Classification: Uncertain significance for Alstrom syndrome. Last evaluated: 2022-08-12. Review status: criteria provided, single submitter. Criteria: Invitae Variant Classification Sherloc (09022015). Collection method: clinical testing. Allele origin: germline.
Comment: This sequence change replaces lysine, which is basic and polar, with asparagine, which is neutral and polar, at codon 3901 of the ALMS1 protein (p.Lys3901Asn). This variant is not present in population databases (gnomAD no frequency). This variant has not been reported in the literature in individuals affected with ALMS1-related conditions. ClinVar contains an entry for this variant (Variation ID: 1406133). Experimental studies and prediction algorithms are not available or were not evaluated, and the functional significance of this variant is currently unknown. In summary, the available evidence is currently insufficient to determine the role of this variant in disease. Therefore, it has been classified as a Variant of Uncertain Significance.

NM_001378454.1(ALMS1):c.11700A>C (p.Lys3900Asn)

Gene: ALMS1 (ALMS1 centrosome and basal body associated protein; plus strand). Cytogenetic location: 2p13.1.
Variant type: single nucleotide variant.
Coding change: c.11700A>C on transcript NM_001378454.1 (MANE Select); coding-DNA position 11700, A replaced by C.
Protein change: p.Lys3900Asn; replaces lysine 3900 with asparagine.
Molecular consequence: missense variant.
Genome position (GRCh38, 1-based): chr2:73,600,709, A>C. VCF-style: chr2-73600709-A-C. GRCh37 (hg19) VCF-style: chr2-73827836-A-C.
Other names: c.11703A>C, p.Lys3901Asn (NM_015120.4); short protein forms K3901N, K3900N.
Identifiers: ClinVar variation 1406133 (VCV001406133.3), dbSNP rs1224532344, ClinGen allele CA347264238.